The following is an entry in ClinVar:

NM_001364905.1(LRBA):c.6780+4A>T

Gene: LRBA (LPS responsive beige-like anchor protein; minus strand). Cytogenetic location: 4q31.3.
Variant type: single nucleotide variant.
Coding change: c.6780+4A>T on transcript NM_001364905.1 (MANE Select); 4 bases into the intron after coding-DNA position 6780, A replaced by T.
Molecular consequence: intron variant.
Genome position (GRCh38, 1-based): chr4:150,467,669, T>A on the plus strand (A>T on the coding strand, the complement: LRBA is on the minus strand). VCF-style: chr4-150467669-T-A. GRCh37 (hg19) VCF-style: chr4-151388821-T-A.
Other names: c.6780+4A>T (NM_001367550.1, NM_001199282.3, NM_001440431.1); c.6813+4A>T (NM_006726.5, NM_001440430.1); c.483+4A>T (NM_001440432.1); c.477+4A>T (NM_001440433.1).
Identifiers: ClinVar variation 1043938 (VCV001043938.6), dbSNP rs1755607891, ClinGen allele CA1503450022.
Genomic context (GRCh38, chr4:150,467,669, plus strand): 5'-AAGACAATCCAATTTATTTTTATATGCAAGACAATTATATTTCACATCATTACTGAGAAA[T>A]TACCTTGGACAAATCTCTGAAGTTGGTGGGCAAGGTAAGATCCAGTTCTTCTGATTCATA-3'

ClinVar aggregate classification (germline): Uncertain significance (1 of 4 stars; one submission).

Conditions:
Combined immunodeficiency due to LRBA deficiency. Also called: Common variable immunodeficiency 8, with autoimmunity. Identifiers: Orphanet 445018, MedGen C3553512, MONDO:0013863, OMIM 614700.

Submission:

Labcorp Genetics (formerly Invitae), Labcorp
Classification: Uncertain significance for Combined immunodeficiency due to LRBA deficiency. Last evaluated: 2020-06-26. Review status: criteria provided, single submitter. Criteria: Invitae Variant Classification Sherloc (09022015). Collection method: clinical testing. Allele origin: germline.
Comment: This variant has not been reported in the literature in individuals with LRBA-related conditions. In summary, the available evidence is currently insufficient to determine the role of this variant in disease. Therefore, it has been classified as a Variant of Uncertain Significance. Nucleotide substitutions within the consensus splice site are a relatively common cause of aberrant splicing (PMID: 17576681, 9536098). Algorithms developed to predict the effect of sequence changes on RNA splicing suggest that this variant is not likely to affect RNA splicing, but this prediction has not been confirmed by published transcriptional studies. This variant is not present in population databases (ExAC no frequency). This sequence change falls in intron 45 of the LRBA gene. It does not directly change the encoded amino acid sequence of the LRBA protein, but it affects a nucleotide within the consensus splice site of the intron.

Literature cited by the submitters: PubMed 17576681; PubMed 9536098.